The following is an entry in ClinVar:

ClinVar aggregate classification (germline): Uncertain significance (1 of 4 stars; one submission).

Conditions:
TNNI3K-related disorder. Also called: TNNI3K-related condition.

Submission:

PreventionGenetics, part of Exact Sciences
Classification: Uncertain significance for TNNI3K-related condition. Last evaluated: 2024-11-04. Review status: criteria provided, single submitter. Criteria: ACMG Guidelines, 2015. Collection method: clinical testing. Allele origin: germline.
Comment: The TNNI3K c.1873C>T variant is predicted to result in the amino acid substitution p.Pro625Ser. To our knowledge, this variant has not been reported in the literature or in a large population database (gnomAD), indicating this variant is rare. At this time, the clinical significance of this variant is uncertain due to the absence of conclusive functional and genetic evidence.

NM_015978.3(TNNI3K):c.1873C>T (p.Pro625Ser)

Genes: FPGT-TNNI3K (FPGT-TNNI3K readthrough; plus strand), TNNI3K (TNNI3 interacting kinase; plus strand). Cytogenetic location: 1p31.1.
Variant type: single nucleotide variant.
Coding change: c.1873C>T on transcript NM_015978.3 (MANE Select); coding-DNA position 1873, C replaced by T.
Protein change: p.Pro625Ser; replaces proline 625 with serine.
Molecular consequence: missense variant.
Genome position (GRCh38, 1-based): chr1:74,436,521, C>T. VCF-style: chr1-74436521-C-T. GRCh37 (hg19) VCF-style: chr1-74902205-C-T.
Other names: c.2176C>T, p.Pro726Ser (NM_001112808.3, NM_001199327.2); short protein forms P625S, P726S.
Identifiers: ClinVar variation 5000740 (VCV005000740.1).